The following is an entry in ClinVar:

ClinVar aggregate classification (germline): Conflicting classifications of pathogenicity. Review status: criteria provided, conflicting classifications (1 of 4 stars). 4 submissions from 4 submitters: Uncertain significance (1); Benign (1); Likely benign (1). 1 of the submissions does not count toward it. Last evaluated 2025-12-01.

Conditions:
DHCR24-related disorder. Also called: DHCR24-related condition.
Desmosterolosis. Identifiers: Orphanet 35107, MedGen C1865596, MONDO:0011217, OMIM 602398.

Allele frequency attached by ClinVar (database versions not stated): ESP Exome Variant Server 0.00023; gnomAD 0.00026 and 0.00032; gnomAD exomes 0.00030 and 0.00060; 1000 Genomes Project 30x 0.00031; TOPMed 0.00039; 1000 Genomes Project 0.00040; ExAC 0.00056.
gnomAD v4.1: 506 of 1,614,146 alleles (0.031%); highest among the groups gnomAD compares: East Asian, 0.085%; no homozygotes.

Submissions (4):

Labcorp Genetics (formerly Invitae), Labcorp
Classification: Benign. Last evaluated: 2025-12-01. Review status: criteria provided, single submitter. Criteria: Invitae Variant Classification Sherloc (09022015). Collection method: clinical testing. Allele origin: germline.

Blueprint Genetics
Classification: Likely benign. Last evaluated: 2024-10-11. Review status: criteria provided, single submitter. Criteria: ACMG Guidelines, 2015. Collection method: clinical testing. Allele origin: germline.

Illumina Laboratory Services, Illumina
Classification: Uncertain significance for Desmosterolosis. Last evaluated: 2018-01-13. Review status: criteria provided, single submitter. Criteria: ICSL Variant Classification Criteria 13 December 2019. Collection method: clinical testing. Allele origin: germline.

PreventionGenetics, part of Exact Sciences
Classification: Likely benign for DHCR24-related condition. Last evaluated: 2019-06-28. Review status: no assertion criteria provided. Collection method: clinical testing. Allele origin: germline. Not counted in ClinVar's aggregate classification.
Comment: This variant is classified as likely benign based on ACMG/AMP sequence variant interpretation guidelines (Richards et al. 2015 PMID: 25741868, with internal and published modifications).

NM_014762.4(DHCR24):c.615C>T (p.Ser205=)

Gene: DHCR24 (24-dehydrocholesterol reductase; minus strand). Cytogenetic location: 1p32.3.
Variant type: single nucleotide variant.
Coding change: c.615C>T on transcript NM_014762.4 (MANE Select); coding-DNA position 615, C replaced by T.
Protein change: p.Ser205=; no amino-acid change (serine 205 retained).
Molecular consequence: synonymous variant.
Genome position (GRCh38, 1-based): chr1:54,871,611, G>A on the plus strand (C>T on the coding strand, the complement: DHCR24 is on the minus strand). VCF-style: chr1-54871611-G-A. GRCh37 (hg19) VCF-style: chr1-55337284-G-A.
Identifiers: ClinVar variation 297661 (VCV000297661.15), dbSNP rs147213053, ClinGen allele CA870763.